The following is an entry in ClinVar:

ClinVar aggregate classification (germline): Conflicting classifications of pathogenicity. Review status: criteria provided, conflicting classifications (1 of 4 stars). 5 submissions from 5 submitters: Uncertain significance (4); Likely benign (1). Last evaluated 2026-06-19.

Conditions:
Cardiomyopathy (CMYO). Also called: Cardiomyopathies. Identifiers: Orphanet 167848, MedGen C0878544, MONDO:0004994, HP:0001638. Inheritance: Various modes of inheritance.
Cardiovascular phenotype. Identifiers: MedGen CN230736.
Autosomal recessive limb-girdle muscular dystrophy type 2J (LGMDR10). Also called: MUSCULAR DYSTROPHY, LIMB-GIRDLE, AUTOSOMAL RECESSIVE 10; Limb-girdle muscular dystrophy, type 2J. Identifiers: Orphanet 140922, MedGen C1837342, MONDO:0012127, OMIM 608807.
Dilated cardiomyopathy 1G (CMD1G). Identifiers: Orphanet 154, MedGen C1858763, MONDO:0011400, OMIM 604145.

Allele frequency attached by ClinVar (database versions not stated): TOPMed 0.00001.
gnomAD v4.1: 12 of 1,613,738 alleles (0.00074%); highest among the groups gnomAD compares: African/African-American, 0.0013%; no homozygotes.

Submissions (5):

Women's Health and Genetics/Laboratory Corporation of America, LabCorp
Classification: Uncertain significance. Last evaluated: 2026-06-19. Review status: criteria provided, single submitter. Criteria: LabCorp Variant Classification Summary - May 2015. Collection method: clinical testing. Allele origin: germline.

CHEO Genetics Diagnostic Laboratory, Children's Hospital of Eastern Ontario
Classification: Likely benign for Cardiomyopathy. Last evaluated: 2023-05-16. Review status: criteria provided, single submitter. Criteria: ACMG Guidelines, 2015. Collection method: clinical testing. Allele origin: germline.

Revvity Omics, Revvity
Classification: Uncertain significance. Last evaluated: 2020-03-05. Review status: criteria provided, single submitter. Criteria: ACMG Guidelines, 2015. Collection method: clinical testing. Allele origin: germline.

Ambry Genetics
Classification: Uncertain significance for Cardiovascular phenotype. Last evaluated: 2019-09-16. Review status: criteria provided, single submitter. Criteria: Ambry Variant Classification Scheme 2023. Collection method: clinical testing. Allele origin: germline.
Comment: The p.R869P variant (also known as c.2606G>C), located in coding exon 14 of the TTN gene, results from a G to C substitution at nucleotide position 2606. The arginine at codon 869 is replaced by proline, an amino acid with dissimilar properties. This amino acid position is poorly conserved in available vertebrate species. In addition, this alteration is predicted to be tolerated by in silico analysis. Since supporting evidence is limited at this time, the clinical significance of this alteration remains unclear.

Labcorp Genetics (formerly Invitae), Labcorp
Classification: Uncertain significance for Dilated cardiomyopathy 1G; Autosomal recessive limb-girdle muscular dystrophy type 2J. Last evaluated: 2017-10-18. Review status: criteria provided, single submitter. Criteria: Invitae Variant Classification Sherloc (09022015). Collection method: clinical testing. Allele origin: germline.

NM_001267550.2(TTN):c.2744G>C (p.Arg915Pro)

Gene: TTN (titin; minus strand). Cytogenetic location: 2q31.2.
Variant type: single nucleotide variant.
Coding change: c.2744G>C on transcript NM_001267550.2 (MANE Select); coding-DNA position 2744, G replaced by C.
Protein change: p.Arg915Pro; replaces arginine 915 with proline.
Molecular consequence: missense variant.
Genome position (GRCh38, 1-based): chr2:178,784,101, C>G on the plus strand (G>C on the coding strand, the complement: TTN is on the minus strand). VCF-style: chr2-178784101-C-G. GRCh37 (hg19) VCF-style: chr2-179648828-C-G.
Other names: c.2744G>C, p.Arg915Pro (NM_001256850.1, NM_133378.4, NM_133379.5); c.2606G>C, p.Arg869Pro (NM_003319.4, NM_133432.3, NM_133437.4); short protein forms R915P, R869P.
Identifiers: ClinVar variation 535595 (VCV000535595.9), dbSNP rs376922544, ClinGen allele CA60982422.